The following is an entry in ClinVar:

ClinVar aggregate classification (germline): Uncertain significance. Review status: criteria provided, multiple submitters, no conflicts (2 of 4 stars). 2 submissions from 2 submitters: Uncertain significance (2). Last evaluated 2025-12-09.

Conditions:
Inborn genetic diseases. Identifiers: MedGen C0950123, MeSH D030342.

Allele frequency attached by ClinVar (database versions not stated): gnomAD 0.00001.

Submissions (2):

Ambry Genetics
Classification: Uncertain significance for Inborn genetic diseases. Last evaluated: 2025-12-09. Review status: criteria provided, single submitter. Criteria: Ambry Variant Classification Scheme 2023. Collection method: clinical testing. Allele origin: germline.

Labcorp Genetics (formerly Invitae), Labcorp
Classification: Uncertain significance. Last evaluated: 2022-08-13. Review status: criteria provided, single submitter. Criteria: Invitae Variant Classification Sherloc (09022015). Collection method: clinical testing. Allele origin: germline.
Comment: This sequence change replaces serine, which is neutral and polar, with isoleucine, which is neutral and non-polar, at codon 16 of the DGUOK protein (p.Ser16Ile). This variant is present in population databases (no rsID available, gnomAD no frequency). This variant has not been reported in the literature in individuals affected with DGUOK-related conditions. ClinVar contains an entry for this variant (Variation ID: 1478207). Algorithms developed to predict the effect of missense changes on protein structure and function (SIFT, PolyPhen-2, Align-GVGD) all suggest that this variant is likely to be tolerated. In summary, the available evidence is currently insufficient to determine the role of this variant in disease. Therefore, it has been classified as a Variant of Uncertain Significance.

NM_080916.3(DGUOK):c.47G>T (p.Ser16Ile)

Genes: DGUOK (deoxyguanosine kinase; plus strand), LOC129934096 (ATAC-STARR-seq lymphoblastoid active region 16036; plus strand). Cytogenetic location: 2p13.1.
Variant type: single nucleotide variant.
Coding change: c.47G>T on transcript NM_080916.3 (MANE Select); coding-DNA position 47, G replaced by T.
Protein change: p.Ser16Ile; replaces serine 16 with isoleucine.
Molecular consequence: missense variant. On other transcripts: 5 prime UTR variant (4), non-coding transcript variant (6).
Genome position (GRCh38, 1-based): chr2:73,926,957, G>T. VCF-style: chr2-73926957-G-T. GRCh37 (hg19) VCF-style: chr2-74154084-G-T.
Other names: c.47G>T, p.Ser16Ile (NM_001318859.2, NM_080918.3); c.-132G>T (NM_001318860.2, NM_001318863.2); c.-218G>T (NM_001318861.2, NM_001318862.2); c.47G>T (NM_080916.1); short protein forms S16I.
Identifiers: ClinVar variation 1478207 (VCV001478207.6), dbSNP rs373080538, ClinGen allele CA347296632.